The following is an entry in ClinVar:

ClinVar aggregate classification (germline): Benign. Review status: criteria provided, multiple submitters, no conflicts (2 of 4 stars). 4 submissions from 4 submitters: Benign (4). Last evaluated 2026-01-16.

Conditions:
Cataract 6 multiple types. Also called: CATARACT, AGE-RELATED CORTICAL, 2; CATARACT 6, POSTERIOR POLAR; CATARACT 6, CONGENITAL TOTAL. Identifiers: Orphanet 91492, MedGen C1861825, MONDO:0007288, OMIM 116600.

Allele frequency attached by ClinVar (database versions not stated): gnomAD exomes 0.00164 and 0.00512; ExAC 0.00596; gnomAD 0.01790 and 0.01913; TOPMed 0.02030; ESP Exome Variant Server 0.02053; 1000 Genomes Project 0.02216; 1000 Genomes Project 30x 0.02311.
gnomAD v4.1: 5,176 of 1,557,240 alleles (0.33%); highest among the groups gnomAD compares: African/African-American, 6%; 164 homozygotes.

Submissions (4):

Labcorp Genetics (formerly Invitae), Labcorp
Classification: Benign for Cataract 6 multiple types. Last evaluated: 2026-01-16. Review status: criteria provided, single submitter. Criteria: Invitae Variant Classification Sherloc (09022015). Collection method: clinical testing. Allele origin: germline.

GeneDx
Classification: Benign. Last evaluated: 2018-05-31. Review status: criteria provided, single submitter. Criteria: GeneDx Variant Classification (06012015). Collection method: clinical testing. Allele origin: germline. Affected: yes.
Comment: This variant is considered likely benign or benign based on one or more of the following criteria: it is a conservative change, it occurs at a poorly conserved position in the protein, it is predicted to be benign by multiple in silico algorithms, and/or has population frequency not consistent with disease.

Illumina Laboratory Services, Illumina
Classification: Benign for Cataract 6 multiple types. Last evaluated: 2018-01-13. Review status: criteria provided, single submitter. Criteria: ICSL Variant Classification Criteria 13 December 2019. Collection method: clinical testing. Allele origin: germline.
Comment: This variant was observed in the ICSL laboratory as part of a predisposition screen in an ostensibly healthy population. It had not been previously curated by ICSL or reported in the Human Gene Mutation Database (HGMD: prior to June 1st, 2018), and was therefore a candidate for classification through an automated scoring system. Utilizing variant allele frequency, disease prevalence and penetrance estimates, and inheritance mode, an automated score was calculated to assess if this variant is too frequent to cause the disease. Based on the score and internal cut-off values, a variant classified as benign is not then subjected to further curation. The score for this variant resulted in a classification of benign for this disease.

Breakthrough Genomics
Classification: Benign. Review status: criteria provided, single submitter. Criteria: ACMG Guidelines, 2015. Collection method: not provided. Allele origin: germline. Inheritance: Autosomal dominant inheritance. Affected: yes.

NM_004431.5(EPHA2):c.2514A>G (p.Thr838=)

Gene: EPHA2 (EPH receptor A2; minus strand). Cytogenetic location: 1p36.13.
Variant type: single nucleotide variant.
Coding change: c.2514A>G on transcript NM_004431.5 (MANE Select); coding-DNA position 2514, A replaced by G.
Protein change: p.Thr838=; no amino-acid change (threonine 838 retained).
Molecular consequence: synonymous variant.
Genome position (GRCh38, 1-based): chr1:16,130,381, T>C on the plus strand (A>G on the coding strand, the complement: EPHA2 is on the minus strand). VCF-style: chr1-16130381-T-C. GRCh37 (hg19) VCF-style: chr1-16456876-T-C.
Other names: c.2352A>G, p.Thr784= (NM_001329090.2).
Identifiers: ClinVar variation 293409 (VCV000293409.17), dbSNP rs35586310, ClinGen allele CA624788.